The following is an entry in ClinVar:

NM_004104.5(FASN):c.3323_3331del (p.Glu1108_Gln1110del)

Gene: FASN (fatty acid synthase; minus strand). Cytogenetic location: 17q25.3.
Variant type: Deletion.
Coding change: c.3323_3331del on transcript NM_004104.5 (MANE Select); coding-DNA positions 3323 to 3331, 9 bases deleted (AGCAGCAGG; older notation c.3323_3331delAGCAGCAGG).
Protein change: p.Glu1108_Gln1110del.
Molecular consequence: inframe deletion.
Genome position (GRCh38, 1-based): chr17:82,087,146-82,087,154, CCTGCTGCT deleted on the plus strand (AGCAGCAGG on the coding strand, the reverse complement: FASN is on the minus strand); deleting any 9 consecutive bases within chr17:82,087,146-82,087,162 gives the same sequence; the c. name uses the placement nearest the transcript's 3' end. VCF-style (leftmost placement, unchanged base first): chr17-82087145-ACCTGCTGCT-A. GRCh37 (hg19) VCF-style: chr17-80045021-ACCTGCTGCT-A.
Identifiers: ClinVar variation 1496284 (VCV001496284.8), dbSNP rs775065708, ClinGen allele CA8852421.

ClinVar aggregate classification (germline): Uncertain significance (1 of 4 stars; one submission).

Conditions:
Epileptic encephalopathy. Identifiers: MedGen C0543888, HP:0200134.

Submission:

Labcorp Genetics (formerly Invitae), Labcorp
Classification: Uncertain significance for Epileptic encephalopathy. Last evaluated: 2022-05-15. Review status: criteria provided, single submitter. Criteria: Invitae Variant Classification Sherloc (09022015). Collection method: clinical testing. Allele origin: germline.
Comment: Experimental studies and prediction algorithms are not available or were not evaluated, and the functional significance of this variant is currently unknown. This variant has not been reported in the literature in individuals affected with FASN-related conditions. This variant is present in population databases (rs775065708, gnomAD 0.009%). This variant, c.3323_3331del, results in the deletion of 3 amino acid(s) of the FASN protein (p.Glu1108_Gln1110del), but otherwise preserves the integrity of the reading frame. Algorithms developed to predict the effect of sequence changes on RNA splicing suggest that this variant may disrupt the consensus splice site. In summary, the available evidence is currently insufficient to determine the role of this variant in disease. Therefore, it has been classified as a Variant of Uncertain Significance.